The following is an entry in ClinVar:

NM_017841.4(SDHAF2):c.453G>C (p.Gln151His)

Gene: SDHAF2 (succinate dehydrogenase complex assembly factor 2; plus strand). Cytogenetic location: 11q12.2.
Variant type: single nucleotide variant.
Coding change: c.453G>C on transcript NM_017841.4 (MANE Select); coding-DNA position 453, G replaced by C.
Protein change: p.Gln151His; replaces glutamine 151 with histidine.
Molecular consequence: missense variant.
Genome position (GRCh38, 1-based): chr11:61,446,023, G>C. VCF-style: chr11-61446023-G-C. GRCh37 (hg19) VCF-style: chr11-61213495-G-C.
Other names: short protein forms Q151H.
Identifiers: ClinVar variation 4731850 (VCV004731850.1).
Genomic context (GRCh38, chr11:61,446,023, plus strand): 5'-ATTTGAAAATGAAGTCATGGCCCTGCTGAGAGACTTTGCTAAAAACAAAAACAAAGAGCA[G>C]AGACTGCGTGCCCCAGATCTTGAGTACCTCTTTGAAAAGCCACGTTGAGCTGTGCTCCAC-3'
Protein context (NP_060311.1, residues 141-161): RDFAKNKNKE[Gln151His]RLRAPDLEYL

ClinVar aggregate classification (germline): Uncertain significance (1 of 4 stars; one submission).

Conditions:
Hereditary pheochromocytoma and paraganglioma. Also called: Hereditary pheochromocytoma-paraganglioma; Hereditary Paraganglioma-Pheochromocytoma Syndromes; Hereditary paragangliomas and pheochromocytomas. Identifiers: Orphanet 29072, MedGen C4274332, MONDO:0017366.

Submission:

Labcorp Genetics (formerly Invitae), Labcorp
Classification: Uncertain significance for Hereditary pheochromocytoma and paraganglioma. Last evaluated: 2025-11-24. Review status: criteria provided, single submitter. Criteria: Invitae Variant Classification Sherloc (09022015). Collection method: clinical testing. Allele origin: germline.
Comment: This sequence change replaces glutamine, which is neutral and polar, with histidine, which is basic and polar, at codon 151 of the SDHAF2 protein (p.Gln151His). This variant is not present in population databases (gnomAD no frequency). This variant has not been reported in the literature in individuals affected with SDHAF2-related conditions. An algorithm developed to predict the effect of missense changes on protein structure and function (PolyPhen-2) suggests that this variant is likely to be disruptive. In summary, the available evidence is currently insufficient to determine the role of this variant in disease. Therefore, it has been classified as a Variant of Uncertain Significance.